The following is an entry in ClinVar:

ClinVar aggregate classification (germline): Uncertain significance. Review status: criteria provided, multiple submitters, no conflicts (2 of 4 stars). 2 submissions from 2 submitters: Uncertain significance (2). Last evaluated 2019-05-18.

Conditions:
X-linked intellectual disability Cabezas type (MRXSC). Also called: MENTAL RETARDATION, X-LINKED, SYNDROMIC 15; Intellectual developmental disorder, X-linked syndromic, Cabezas type; CABEZAS SYNDROME. Identifiers: Orphanet 85289, Orphanet 85293, MedGen C1845861, MONDO:0010306, OMIM 300354.

Allele frequency attached by ClinVar (database versions not stated): gnomAD exomes below 0.00001.
gnomAD v4.1: 2 of 1,073,172 alleles (0.00019%); highest among the groups gnomAD compares: Non-Finnish European, 0.00026%; no homozygotes.

Submissions (2):

GeneDx
Classification: Uncertain significance. Last evaluated: 2019-05-18. Review status: criteria provided, single submitter. Criteria: GeneDx Variant Classification Process June 2021. Collection method: clinical testing. Allele origin: germline. Affected: yes.
Comment: Not observed in large population cohorts (Lek et al., 2016); In silico analysis, which includes protein predictors and evolutionary conservation, supports that this variant does not alter protein structure/function; Has not been previously published as pathogenic or benign to our knowledge

Labcorp Genetics (formerly Invitae), Labcorp
Classification: Uncertain significance for X-linked intellectual disability Cabezas type. Last evaluated: 2019-01-31. Review status: criteria provided, single submitter. Criteria: Invitae Variant Classification Sherloc (09022015). Collection method: clinical testing. Allele origin: germline.
Comment: In summary, the available evidence is currently insufficient to determine the role of this variant in disease. Therefore, it has been classified as a Variant of Uncertain Significance. Algorithms developed to predict the effect of missense changes on protein structure and function (SIFT, PolyPhen-2, Align-GVGD) all suggest that this variant is likely to be tolerated, but these predictions have not been confirmed by published functional studies and their clinical significance is uncertain. This variant has not been reported in the literature in individuals with CUL4B-related conditions. This variant is not present in population databases (ExAC no frequency). This sequence change replaces tyrosine with histidine at codon 598 of the CUL4B protein (p.Tyr598His). The tyrosine residue is moderately conserved and there is a moderate physicochemical difference between tyrosine and histidine.

NM_001079872.2(CUL4B):c.1738T>C (p.Tyr580His)

Gene: CUL4B (cullin 4B; minus strand). Cytogenetic location: Xq24.
Variant type: single nucleotide variant.
Coding change: c.1738T>C on transcript NM_001079872.2 (MANE Select); coding-DNA position 1738, T replaced by C.
Protein change: p.Tyr580His; replaces tyrosine 580 with histidine.
Molecular consequence: missense variant.
Genome position (GRCh38, 1-based): chrX:120,539,271, A>G on the plus strand (T>C on the coding strand, the complement: CUL4B is on the minus strand). VCF-style: chrX-120539271-A-G. GRCh37 (hg19) VCF-style: chrX-119673126-A-G.
Other names: c.1792T>C, p.Tyr598His (NM_003588.4); c.1753T>C, p.Tyr585His (NM_001330624.2); c.1204T>C, p.Tyr402His (NM_001369145.1); short protein forms Y598H, Y402H, Y580H, Y585H.
Identifiers: ClinVar variation 852193 (VCV000852193.11), dbSNP rs1923849803, ClinGen allele CA414195676.